The following is an entry in ClinVar:

NM_001378454.1(ALMS1):c.2190C>T (p.Phe730=)

Gene: ALMS1 (ALMS1 centrosome and basal body associated protein; plus strand). Cytogenetic location: 2p13.1.
Variant type: single nucleotide variant.
Coding change: c.2190C>T on transcript NM_001378454.1 (MANE Select); coding-DNA position 2190, C replaced by T.
Protein change: p.Phe730=; no amino-acid change (phenylalanine 730 retained).
Molecular consequence: synonymous variant.
Genome position (GRCh38, 1-based): chr2:73,448,717, C>T. VCF-style: chr2-73448717-C-T. GRCh37 (hg19) VCF-style: chr2-73675844-C-T.
Other names: c.2193C>T, p.Phe731= (NM_015120.4).
Identifiers: ClinVar variation 383768 (VCV000383768.30), dbSNP rs7598901, ClinGen allele CA1713301.

ClinVar aggregate classification (germline): Benign/Likely benign. Review status: criteria provided, multiple submitters, no conflicts (2 of 4 stars). 14 submissions from 14 submitters: Benign (8); Likely benign (1). 5 of the submissions do not count toward it. Last evaluated 2026-02-04.

Conditions:
Cardiovascular phenotype. Identifiers: MedGen CN230736.
Alstrom syndrome (ALMS). Identifiers: Orphanet 64, MedGen C0268425, MONDO:0008763, OMIM 203800.
ALMS1-related disorder. Also called: ALMS1-related condition.

Allele frequency attached by ClinVar (database versions not stated): TOPMed 0.48833; gnomAD 0.49457 and 0.50633; ESP Exome Variant Server 0.49481; 1000 Genomes Project 0.52636; ExAC 0.59909; gnomAD exomes 0.60291.
gnomAD v4.1: 982,511 of 1,613,450 alleles (61%); highest among the groups gnomAD compares: East Asian, 75%; 307,344 homozygotes.

Submissions (14):

Labcorp Genetics (formerly Invitae), Labcorp
Classification: Benign for Alstrom syndrome. Last evaluated: 2026-02-04. Review status: criteria provided, single submitter. Criteria: Invitae Variant Classification Sherloc (09022015). Collection method: clinical testing. Allele origin: germline.

Blueprint Genetics
Classification: Benign. Last evaluated: 2024-11-26. Review status: criteria provided, single submitter. Criteria: ACMG Guidelines, 2015. Collection method: clinical testing. Allele origin: germline.

Genome-Nilou Lab
Classification: Benign for Alstrom syndrome. Last evaluated: 2021-07-14. Review status: criteria provided, single submitter. Criteria: ACMG Guidelines, 2015. Collection method: clinical testing. Allele origin: germline. Affected: no.

PreventionGenetics, part of Exact Sciences
Classification: Likely benign for ALMS1-related condition. Last evaluated: 2020-02-10. Review status: criteria provided, single submitter. Criteria: ACMG Guidelines, 2015. Collection method: clinical testing. Allele origin: germline.
Comment: This variant is classified as likely benign based on ACMG/AMP sequence variant interpretation guidelines (Richards et al. 2015 PMID: 25741868, with internal and published modifications).

Ambry Genetics
Classification: Benign for Cardiovascular phenotype. Last evaluated: 2018-12-21. Review status: criteria provided, single submitter. Criteria: Ambry Variant Classification Scheme 2023. Collection method: clinical testing. Allele origin: germline.

Phosphorus, Inc.
Classification: Benign for Alstrom syndrome. Last evaluated: 2017-08-01. Review status: criteria provided, single submitter. Criteria: ACMG Guidelines, 2015. Collection method: clinical testing. Allele origin: germline. Observed: 21 variant alleles.

GeneDx
Classification: Benign. Last evaluated: 2016-09-09. Review status: criteria provided, single submitter. Criteria: GeneDx Variant Classification (06012015). Collection method: clinical testing. Allele origin: germline. Affected: yes.
Comment: This variant is considered likely benign or benign based on one or more of the following criteria: it is a conservative change, it occurs at a poorly conserved position in the protein, it is predicted to be benign by multiple in silico algorithms, and/or has population frequency not consistent with disease.

Laboratory for Molecular Medicine, Mass General Brigham Personalized Medicine
Classification: Benign. Last evaluated: 2016-03-21. Review status: criteria provided, single submitter. Criteria: LMM Criteria. Collection method: clinical testing. Allele origin: germline. Observed: 217 variant alleles.
Comment: p.Phe729Phe in exon 8 of ALMS1: This variant is not expected to have clinical si gnificance because it does not alter an amino acid residue, is not located withi n the splice consensus sequence, and has been identified in 77.44% (6674/8618) o f East Asian chromosomes by the Exome Aggregation Consortium (ExAC.; dbSNP rs7598901).

Breakthrough Genomics
Classification: Benign. Review status: criteria provided, single submitter. Criteria: ACMG Guidelines, 2015. Collection method: not provided. Allele origin: germline. Inheritance: Autosomal recessive inheritance. Affected: yes.

Natera, Inc.
Classification: Benign for Alstrom syndrome. Last evaluated: 2020-09-16. Review status: no assertion criteria provided. Collection method: clinical testing. Allele origin: germline. Not counted in ClinVar's aggregate classification.

Clinical Genetics, Academic Medical Center
Classification: Benign. Review status: no assertion criteria provided. Collection method: clinical testing. Allele origin: germline. Affected: yes. Study: VKGL Data-share Consensus. Not counted in ClinVar's aggregate classification.

Diagnostic Laboratory, Department of Genetics, University Medical Center Groningen
Classification: Benign. Review status: no assertion criteria provided. Collection method: clinical testing. Allele origin: germline. Affected: yes. Study: VKGL Data-share Consensus. Not counted in ClinVar's aggregate classification.

Genome Diagnostics Laboratory, University Medical Center Utrecht
Classification: Benign. Review status: no assertion criteria provided. Collection method: clinical testing. Allele origin: germline. Affected: yes. Study: VKGL Data-share Consensus. Not counted in ClinVar's aggregate classification.

Joint Genome Diagnostic Labs from Nijmegen and Maastricht, Radboudumc and MUMC+
Classification: Benign. Review status: no assertion criteria provided. Collection method: clinical testing. Allele origin: germline. Affected: yes. Study: VKGL Data-share Consensus. Not counted in ClinVar's aggregate classification.